The following is an entry in ClinVar:

NM_004836.7(EIF2AK3):c.962C>A (p.Ala321Glu)

Gene: EIF2AK3 (eukaryotic translation initiation factor 2 alpha kinase 3; minus strand). Cytogenetic location: 2p11.2.
Variant type: single nucleotide variant.
Coding change: c.962C>A on transcript NM_004836.7 (MANE Select); coding-DNA position 962, C replaced by A.
Protein change: p.Ala321Glu; replaces alanine 321 with glutamic acid.
Molecular consequence: missense variant.
Genome position (GRCh38, 1-based): chr2:88,590,858, G>T on the plus strand (C>A on the coding strand, the complement: EIF2AK3 is on the minus strand). VCF-style: chr2-88590858-G-T. GRCh37 (hg19) VCF-style: chr2-88890376-G-T.
Other names: c.509C>A, p.Ala170Glu (NM_001313915.2); short protein forms A170E, A321E.
Identifiers: ClinVar variation 1922316 (VCV001922316.3), dbSNP rs993234315, ClinGen allele CA51496481.

ClinVar aggregate classification (germline): Uncertain significance. Review status: criteria provided, multiple submitters, no conflicts (2 of 4 stars). 2 submissions from 2 submitters: Uncertain significance (2). Last evaluated 2022-04-07.

Conditions:
Inborn genetic diseases. Identifiers: MedGen C0950123, MeSH D030342.

Allele frequency attached by ClinVar (database versions not stated): gnomAD 0.00002; TOPMed 0.00002; gnomAD exomes 0.00003.
gnomAD v4.1: 52 of 1,613,944 alleles (0.0032%); highest among the groups gnomAD compares: Non-Finnish European, 0.0042%; no homozygotes.

Submissions (2):

Labcorp Genetics (formerly Invitae), Labcorp
Classification: Uncertain significance. Last evaluated: 2022-04-07. Review status: criteria provided, single submitter. Criteria: Invitae Variant Classification Sherloc (09022015). Collection method: clinical testing. Allele origin: germline.
Comment: This sequence change replaces alanine, which is neutral and non-polar, with glutamic acid, which is acidic and polar, at codon 321 of the EIF2AK3 protein (p.Ala321Glu). This variant is not present in population databases (gnomAD no frequency). This variant has not been reported in the literature in individuals affected with EIF2AK3-related conditions. Algorithms developed to predict the effect of missense changes on protein structure and function are either unavailable or do not agree on the potential impact of this missense change (SIFT: "Tolerated"; PolyPhen-2: "Probably Damaging"; Align-GVGD: "Class C15"). In summary, the available evidence is currently insufficient to determine the role of this variant in disease. Therefore, it has been classified as a Variant of Uncertain Significance.

Ambry Genetics
Classification: Uncertain significance for Inborn genetic diseases. Last evaluated: 2021-09-17. Review status: criteria provided, single submitter. Criteria: Ambry Variant Classification Scheme 2023. Collection method: clinical testing. Allele origin: germline.